The following is an entry in ClinVar:

NM_024675.4(PALB2):c.177T>C (p.Ser59=)

Gene: PALB2 (partner and localizer of BRCA2; minus strand). Cytogenetic location: 16p12.2.
Variant type: single nucleotide variant.
Coding change: c.177T>C on transcript NM_024675.4 (MANE Select); coding-DNA position 177, T replaced by C.
Protein change: p.Ser59=; no amino-acid change (serine 59 retained).
Molecular consequence: synonymous variant.
Genome position (GRCh38, 1-based): chr16:23,637,884, A>G on the plus strand (T>C on the coding strand, the complement: PALB2 is on the minus strand). VCF-style: chr16-23637884-A-G. GRCh37 (hg19) VCF-style: chr16-23649205-A-G.
Identifiers: ClinVar variation 415982 (VCV000415982.13), dbSNP rs1060504707, ClinGen allele CA16615311.

ClinVar aggregate classification (germline): Benign/Likely benign. Review status: criteria provided, multiple submitters, no conflicts (2 of 4 stars). 2 submissions from 2 submitters: Benign (1); Likely benign (1). Last evaluated 2025-01-09.

Conditions:
Familial cancer of breast. Also called: Hereditary breast cancer; BREAST CANCER, FAMILIAL; hereditary breast carcinoma. Identifiers: Orphanet 227535, MedGen C0346153, MONDO:0016419, OMIM 114480. Disease mechanism: loss of function.

Submissions (2):

Myriad Genetics, Inc.
Classification: Benign for Familial cancer of breast. Last evaluated: 2025-01-09. Review status: criteria provided, single submitter. Criteria: Myriad Autosomal Dominant, Autosomal Recessive and X-Linked Classification Criteria (2023). Collection method: clinical testing. Allele origin: unknown.
Comment: This variant is considered benign. This variant is a silent/synonymous amino acid change and it is not expected to impact splicing.

Labcorp Genetics (formerly Invitae), Labcorp
Classification: Likely benign for Familial cancer of breast. Last evaluated: 2016-10-25. Review status: criteria provided, single submitter. Criteria: Invitae Variant Classification Sherloc (09022015). Collection method: clinical testing. Allele origin: germline.